The following is an entry in ClinVar:

ClinVar aggregate classification (germline): Pathogenic (1 of 4 stars; one submission).

Conditions:
Primary ciliary dyskinesia. Also called: Ciliary dyskinesia. Identifiers: Orphanet 244, MedGen C0008780, MONDO:0016575, HP:0012265.

Submission:

Labcorp Genetics (formerly Invitae), Labcorp
Classification: Pathogenic for Primary ciliary dyskinesia. Last evaluated: 2025-06-05. Review status: criteria provided, single submitter. Criteria: Invitae Variant Classification Sherloc (09022015). Collection method: clinical testing. Allele origin: germline.
Comment: This sequence change affects the initiator codon of the RSPH1 mRNA. This change may impact translation initiation or efficiency. The next in-frame methionine is located at codon 191. This variant is not present in population databases (gnomAD no frequency). This variant has not been reported in the literature in individuals affected with RSPH1-related conditions. This variant disrupts a region of the RSPH1 protein in which other variant(s) (p.Gly103Asp) have been determined to be pathogenic (PMID: 23993197, 31772028). This suggests that this is a clinically significant region of the protein, and that variants that disrupt it are likely to be disease-causing. For these reasons, this variant has been classified as Pathogenic.

Literature cited by the submitters: PubMed 23993197; PubMed 31772028.

NM_080860.4(RSPH1):c.1A>T (p.Met1Leu)

Genes: RSPH1 (radial spoke head component 1; minus strand), LOC130066749 (ATAC-STARR-seq lymphoblastoid silent region 13344; plus strand). Cytogenetic location: 21q22.3.
Variant type: single nucleotide variant.
Coding change: c.1A>T on transcript NM_080860.4 (MANE Select); coding-DNA position 1, A replaced by T.
Protein change: p.Met1Leu; changes the start codon (methionine 1).
Molecular consequence: missense variant, initiator codon variant.
Genome position (GRCh38, 1-based): chr21:42,496,186, T>A on the plus strand (A>T on the coding strand, the complement: RSPH1 is on the minus strand). VCF-style: chr21-42496186-T-A. GRCh37 (hg19) VCF-style: chr21-43916296-T-A.
Other names: c.1A>T, p.Met1Leu (NM_001286506.2); short protein forms M1L.
Identifiers: ClinVar variation 4753485 (VCV004753485.1).
Genomic context (GRCh38, chr21:42,496,186, plus strand): 5'-CTCTCACCCCAATATCATTCTCTCCCTCCTCCTCCAACTCCTCCGAGCCCAGGTCCGACA[T>A]GGTCTCGCCCCAGCCTGGATCACAGCCGCAGCGCCTCTAGCAGGTGGGTAGCAACCGCCT-3'
Protein context (NP_543136.1, residues 1-11): [Met1Leu]SDLGSEELEE